The following is an entry in ClinVar:

NM_000426.4(LAMA2):c.5866-15T>C

Gene: LAMA2 (laminin subunit alpha 2; plus strand). Cytogenetic location: 6q22.33.
Variant type: single nucleotide variant.
Coding change: c.5866-15T>C on transcript NM_000426.4 (MANE Select); 15 bases into the intron before coding-DNA position 5866, T replaced by C.
Molecular consequence: intron variant.
Genome position (GRCh38, 1-based): chr6:129,427,737, T>C. VCF-style: chr6-129427737-T-C. GRCh37 (hg19) VCF-style: chr6-129748882-T-C.
Other names: c.5866-15T>C (NM_001079823.2).
Identifiers: ClinVar variation 389698 (VCV000389698.6), dbSNP rs774886204, ClinGen allele CA3994019.

ClinVar aggregate classification (germline): Likely benign. Review status: criteria provided, multiple submitters, no conflicts (2 of 4 stars). 2 submissions from 2 submitters: Likely benign (2). Last evaluated 2024-07-03.

Conditions:
LAMA2-related muscular dystrophy (LAMA2-RD). Also called: Laminin alpha 2-related dystrophy. Identifiers: MedGen C5679788, MONDO:0100228.

Allele frequency attached by ClinVar (database versions not stated): gnomAD exomes below 0.00001; ExAC 0.00002.
gnomAD v4.1: 5 of 1,585,070 alleles (0.00032%); highest among the groups gnomAD compares: Non-Finnish European, 0.00043%; no homozygotes.

Submissions (2):

Labcorp Genetics (formerly Invitae), Labcorp
Classification: Likely benign for LAMA2-related muscular dystrophy. Last evaluated: 2024-07-03. Review status: criteria provided, single submitter. Criteria: Invitae Variant Classification Sherloc (09022015). Collection method: clinical testing. Allele origin: germline.

GeneDx
Classification: Likely benign. Last evaluated: 2016-10-21. Review status: criteria provided, single submitter. Criteria: GeneDx Variant Classification (06012015). Collection method: clinical testing. Allele origin: germline. Affected: yes.
Comment: This variant is considered likely benign or benign based on one or more of the following criteria: it is a conservative change, it occurs at a poorly conserved position in the protein, it is predicted to be benign by multiple in silico algorithms, and/or has population frequency not consistent with disease.